The following is an entry in ClinVar:

ClinVar aggregate classification (germline): Uncertain significance (1 of 4 stars; one submission).

Allele frequency attached by ClinVar (database versions not stated): TOPMed below 0.00001.

Submission:

GeneDx
Classification: Uncertain significance. Last evaluated: 2026-08-11. Review status: criteria provided, single submitter. Criteria: GeneDx Variant Classification Process June 2021. Collection method: clinical testing. Allele origin: germline.
Comment: Not observed at significant frequency in large population cohorts (gnomAD); In silico analysis supports that this missense variant has a deleterious effect on protein structure/function; Has not been previously published as pathogenic or benign to our knowledge

NM_003070.5(SMARCA2):c.4381T>C (p.Tyr1461His)

Gene: SMARCA2 (SWI/SNF related BAF chromatin remodeling complex subunit ATPase 2; plus strand). Cytogenetic location: 9p24.3.
Variant type: single nucleotide variant.
Coding change: c.4381T>C on transcript NM_003070.5 (MANE Select); coding-DNA position 4381, T replaced by C.
Protein change: p.Tyr1461His; replaces tyrosine 1461 with histidine.
Molecular consequence: missense variant.
Genome position (GRCh38, 1-based): chr9:2,182,162, T>C. VCF-style: chr9-2182162-T-C. GRCh37 (hg19) VCF-style: chr9-2182162-T-C.
Other names: c.4381T>C, p.Tyr1461His (NM_001289396.2); c.4153T>C, p.Tyr1385His (NM_001289397.2); c.355T>C, p.Tyr119His (NM_001289398.2); c.439T>C, p.Tyr147His (NM_001289399.2); c.445T>C, p.Tyr149His (NM_001289400.2); c.4327T>C, p.Tyr1443His (NM_139045.4); short protein forms Y119H, Y1385H, Y1443H, Y1461H, Y147H, Y149H.
Identifiers: ClinVar variation 2503119 (VCV002503119.2), dbSNP rs1827080422, ClinGen allele CA372789953.